The following is an entry in ClinVar:

ClinVar aggregate classification (germline): Uncertain significance (1 of 4 stars; one submission).

Conditions:
Cardiovascular phenotype. Identifiers: MedGen CN230736.

Submission:

Ambry Genetics
Classification: Uncertain significance for Cardiovascular phenotype. Last evaluated: 2024-04-14. Review status: criteria provided, single submitter. Criteria: Ambry Variant Classification Scheme 2023. Collection method: clinical testing. Allele origin: germline.
Comment: The p.A261E variant (also known as c.782C>A), located in coding exon 7 of the AKAP9 gene, results from a C to A substitution at nucleotide position 782. The alanine at codon 261 is replaced by glutamic acid, an amino acid with dissimilar properties. This amino acid position is conserved. In addition, this alteration is predicted to be tolerated by in silico analysis. Based on the available evidence, the clinical significance of this variant remains unclear.

NM_005751.5(AKAP9):c.782C>A (p.Ala261Glu)

Genes: AKAP9 (A-kinase anchoring protein 9; plus strand), LOC129998789 (ATAC-STARR-seq lymphoblastoid silent region 18366; plus strand). Cytogenetic location: 7q21.2.
Variant type: single nucleotide variant.
Coding change: c.782C>A on transcript NM_005751.5 (MANE Select); coding-DNA position 782, C replaced by A.
Protein change: p.Ala261Glu; replaces alanine 261 with glutamic acid.
Molecular consequence: missense variant.
Genome position (GRCh38, 1-based): chr7:91,995,652, C>A. VCF-style: chr7-91995652-C-A. GRCh37 (hg19) VCF-style: chr7-91624966-C-A.
Other names: c.782C>A, p.Ala261Glu (NM_147185.3); short protein forms A261E.
Identifiers: ClinVar variation 3281859 (VCV003281859.1).